The following is an entry in ClinVar:

NM_001134831.2(AHI1):c.3589-106A>G

Gene: AHI1 (Abelson helper integration site 1; minus strand). Cytogenetic location: 6q23.3.
Variant type: single nucleotide variant.
Coding change: c.3589-106A>G on transcript NM_001134831.2 (MANE Select); 106 bases into the intron before coding-DNA position 3589, A replaced by G.
Molecular consequence: intron variant.
Genome position (GRCh38, 1-based): chr6:135,285,753, T>C on the plus strand (A>G on the coding strand, the complement: AHI1 is on the minus strand). VCF-style: chr6-135285753-T-C. GRCh37 (hg19) VCF-style: chr6-135606891-T-C.
Other names: NC_000006.11:g.135606891T>C; c.3589-106A>G (NM_001134830.2, NM_001350503.2, NM_017651.5); c.3486-106A>G (NM_001350504.2).
Identifiers: ClinVar variation 675064 (VCV000675064.2), dbSNP rs11970282, ClinGen allele CA148529766.

ClinVar aggregate classification (germline): Benign (1 of 4 stars; one submission).

Allele frequency attached by ClinVar (database versions not stated): gnomAD exomes 0.06443; gnomAD 0.11684 and 0.11912; TOPMed 0.12522; 1000 Genomes Project 0.13438; 1000 Genomes Project 30x 0.13819.
gnomAD v4.1: 69,148 of 945,872 alleles (7.3%); highest among the groups gnomAD compares: African/African-American, 25%; 3,926 homozygotes.

Submissions (11):

GeneDx
Classification: Benign. Last evaluated: 2018-06-16. Review status: criteria provided, single submitter. Criteria: GeneDx Variant Classification (06012015). Collection method: clinical testing. Allele origin: germline. Affected: yes.
Comment: This variant is considered likely benign or benign based on one or more of the following criteria: it is a conservative change, it occurs at a poorly conserved position in the protein, it is predicted to be benign by multiple in silico algorithms, and/or has population frequency not consistent with disease.

Dr. Peter K. Rogan Lab, Western University
No classification provided (evidence only). Condition: Acute myeloid leukemia. Review status: no classification provided. Collection method: in vitro. Allele origin: not applicable. Functional consequence: retained intron. Not counted in ClinVar's aggregate classification.

Dr. Peter K. Rogan Lab, Western University
No classification provided (evidence only). Condition: Acute myeloid leukemia. Review status: no classification provided. Collection method: in vitro. Allele origin: not applicable. Functional consequence: retained intron. Not counted in ClinVar's aggregate classification.

Dr. Peter K. Rogan Lab, Western University
No classification provided (evidence only). Condition: Acute myeloid leukemia. Review status: no classification provided. Collection method: in vitro. Allele origin: not applicable. Functional consequence: retained intron. Not counted in ClinVar's aggregate classification.

Dr. Peter K. Rogan Lab, Western University
No classification provided (evidence only). Condition: Acute myeloid leukemia. Review status: no classification provided. Collection method: in vitro. Allele origin: not applicable. Functional consequence: retained intron. Not counted in ClinVar's aggregate classification.

Dr. Peter K. Rogan Lab, Western University
No classification provided (evidence only). Condition: Acute myeloid leukemia. Review status: no classification provided. Collection method: in vitro. Allele origin: not applicable. Functional consequence: retained intron. Not counted in ClinVar's aggregate classification.

Dr. Peter K. Rogan Lab, Western University
No classification provided (evidence only). Condition: Malignant lymphoma, large B-cell, diffuse. Review status: no classification provided. Collection method: in vitro. Allele origin: not applicable. Functional consequence: retained intron. Not counted in ClinVar's aggregate classification.

Dr. Peter K. Rogan Lab, Western University
No classification provided (evidence only). Condition: Thymoma. Review status: no classification provided. Collection method: in vitro. Allele origin: not applicable. Functional consequence: retained intron. Not counted in ClinVar's aggregate classification.

Dr. Peter K. Rogan Lab, Western University
No classification provided (evidence only). Condition: Cholangiocarcinoma. Review status: no classification provided. Collection method: in vitro. Allele origin: not applicable. Functional consequence: retained intron. Not counted in ClinVar's aggregate classification.

Dr. Peter K. Rogan Lab, Western University
No classification provided (evidence only). Condition: Gastric cancer. Review status: no classification provided. Collection method: in vitro. Allele origin: not applicable. Functional consequence: retained intron. Not counted in ClinVar's aggregate classification.

Dr. Peter K. Rogan Lab, Western University
No classification provided (evidence only). Condition: Gastric cancer. Review status: no classification provided. Collection method: in vitro. Allele origin: not applicable. Functional consequence: retained intron. Not counted in ClinVar's aggregate classification.